The following is an entry in ClinVar:

NM_001008537.3(NEXMIF):c.2420_2421insTACCTGTTACTAATGTT (p.Ile807_Pro808insThrCysTyrTer)

Gene: NEXMIF (neurite extension and migration factor; minus strand). Cytogenetic location: Xq13.3.
Variant type: Insertion.
Coding change: c.2420_2421insTACCTGTTACTAATGTT on transcript NM_001008537.3 (MANE Select); coding-DNA positions 2420 to 2421, TACCTGTTACTAATGTT inserted.
Protein change: p.Ile807_Pro808insThrCysTyrTer.
Molecular consequence: nonsense.
Genome position: GRCh38 VCF-style: chrX-74742136-T-TAACATTAGTAACAGGTA. GRCh37 (hg19) VCF-style: chrX-73961971-T-TAACATTAGTAACAGGTA.
Identifiers: ClinVar variation 3722926 (VCV003722926.2).

ClinVar aggregate classification (germline): Pathogenic (1 of 4 stars; one submission).

Submission:

Labcorp Genetics (formerly Invitae), Labcorp
Classification: Pathogenic. Last evaluated: 2024-10-15. Review status: criteria provided, single submitter. Criteria: Invitae Variant Classification Sherloc (09022015). Collection method: clinical testing. Allele origin: germline.
Comment: This sequence change creates a premature translational stop signal (p.Pro808Thrfs*4) in the NEXMIF gene. It is expected to result in an absent or disrupted protein product. Loss-of-function variants in NEXMIF are known to be pathogenic (PMID: 23615299). This variant is not present in population databases (gnomAD no frequency). This variant has not been reported in the literature in individuals affected with NEXMIF-related conditions. For these reasons, this variant has been classified as Pathogenic.

Literature cited by the submitters: PubMed 23615299.